The following is an entry in ClinVar:

NM_003896.4(ST3GAL5):c.1001del (p.Arg334fs)

Gene: ST3GAL5 (ST3 beta-galactoside alpha-2,3-sialyltransferase 5; minus strand). Cytogenetic location: 2p11.2.
Variant type: Deletion.
Coding change: c.1001del on transcript NM_003896.4 (MANE Select); coding-DNA position 1001, one base deleted (G; older notation c.1001delG).
Protein change: p.Arg334fs; shifts the reading frame from arginine 334.
Molecular consequence: frameshift variant. On other transcripts: intron variant (1).
Genome position (GRCh38, 1-based): chr2:85,844,403, C deleted on the plus strand (G on the coding strand, the reverse complement: ST3GAL5 is on the minus strand). VCF-style (leftmost placement, unchanged base first): chr2-85844402-TC-T. GRCh37 (hg19) VCF-style: chr2-86071525-TC-T.
Other names: c.932del, p.Arg311fs (NM_001042437.2); c.617del, p.Arg206fs (NM_001354223.2, NM_001354224.2, NM_001354226.2 and 3 more transcripts); c.917del, p.Arg306fs (NM_001354227.2, NM_001354229.2, NM_001354238.1); c.278del, p.Arg93fs (NM_001354247.1); c.849+1974del (NM_001363847.1); short protein forms R206fs, R306fs, R93fs, R311fs, R334fs.
Identifiers: ClinVar variation 2847221 (VCV002847221.3), dbSNP rs2467045021, ClinGen allele CA2739271146.

ClinVar aggregate classification (germline): Pathogenic (1 of 4 stars; one submission).

Conditions:
GM3 synthase deficiency (SPDRS). Also called: SALT AND PEPPER DEVELOPMENTAL REGRESSION SYNDROME; AMISH INFANTILE EPILEPSY SYNDROME; SALT AND PEPPER MENTAL RETARDATION SYNDROME. Identifiers: Orphanet 171714, Orphanet 370933, MedGen C1836824, MONDO:0018274, OMIM 609056.

Submission:

Labcorp Genetics (formerly Invitae), Labcorp
Classification: Pathogenic for GM3 synthase deficiency. Last evaluated: 2023-03-18. Review status: criteria provided, single submitter. Criteria: Invitae Variant Classification Sherloc (09022015). Collection method: clinical testing. Allele origin: germline.
Comment: For these reasons, this variant has been classified as Pathogenic. This variant disrupts a region of the ST3GAL5 protein in which other variant(s) (p.Arg334*) have been determined to be pathogenic (PMID: 34906476; Invitae). This suggests that this is a clinically significant region of the protein, and that variants that disrupt it are likely to be disease-causing. Algorithms developed to predict the effect of sequence changes on RNA splicing suggest that this variant may disrupt the consensus splice site. This variant has not been reported in the literature in individuals affected with ST3GAL5-related conditions. This variant is not present in population databases (gnomAD no frequency). This sequence change creates a premature translational stop signal (p.Arg334Glnfs*15) in the ST3GAL5 gene. While this is not anticipated to result in nonsense mediated decay, it is expected to disrupt the last 85 amino acid(s) of the ST3GAL5 protein.

Literature cited by the submitters: PubMed 34906476.